The following is an entry in ClinVar:

ClinVar aggregate classification (germline): Uncertain significance (1 of 4 stars; one submission).

Conditions:
Hereditary cancer-predisposing syndrome. Also called: Tumor predisposition; Neoplastic Syndromes, Hereditary; Hereditary neoplastic syndrome; Hereditary Cancer Syndrome. Identifiers: Orphanet 140162, MedGen C0027672, MeSH D009386, MONDO:0015356.

Submission:

Ambry Genetics
Classification: Uncertain significance for Hereditary cancer-predisposing syndrome. Last evaluated: 2025-07-12. Review status: criteria provided, single submitter. Criteria: Ambry Variant Classification Scheme 2023. Collection method: clinical testing. Allele origin: germline.
Comment: The p.I242F variant (also known as c.724A>T), located in coding exon 7 of the MRE11A gene, results from an A to T substitution at nucleotide position 724. The isoleucine at codon 242 is replaced by phenylalanine, an amino acid with highly similar properties. This amino acid position is conserved. In addition, the in silico prediction for this alteration is inconclusive. Based on the available evidence, the clinical significance of this variant remains unclear.

NM_005591.4(MRE11):c.724A>T (p.Ile242Phe)

Gene: MRE11 (MRE11 double strand break repair nuclease; minus strand). Cytogenetic location: 11q21.
Variant type: single nucleotide variant.
Coding change: c.724A>T on transcript NM_005591.4 (MANE Select); coding-DNA position 724, A replaced by T.
Protein change: p.Ile242Phe; replaces isoleucine 242 with phenylalanine.
Molecular consequence: missense variant.
Genome position (GRCh38, 1-based): chr11:94,471,695, T>A on the plus strand (A>T on the coding strand, the complement: MRE11 is on the minus strand). VCF-style: chr11-94471695-T-A. GRCh37 (hg19) VCF-style: chr11-94204861-T-A.
Other names: c.724A>T, p.Ile242Phe (NM_001330347.2, NM_001440460.1, NM_001440461.1 and 18 more transcripts); c.379A>T, p.Ile127Phe (NM_001440482.1, NM_001440483.1, NM_001440484.1); c.256A>T, p.Ile86Phe (NM_001440485.1, NM_001440486.1, NM_001440487.1); c.649A>T, p.Ile217Phe (NM_001440471.1, NM_001440472.1, NM_001440479.1); short protein forms I127F, I217F, I86F, I242F.
Identifiers: ClinVar variation 4110081 (VCV004110081.1).
Genomic context (GRCh38, chr11:94,471,695, plus strand): 5'-AAAACAGCTGTTGTTCATTTTTGGTTGGAGCTATTTTACACTCATGTTCATGGCCCCAGA[T>A]AACAAGATCAATGAAGTCATCCAAAAATTGTTCTGGAATGAAGTTAGTACTTCCATGTTT-3'
Protein context (NP_005582.1, residues 232-252): QFLDDFIDLV[Ile242Phe]WGHEHECKIA